The following is an entry in ClinVar:

ClinVar aggregate classification (germline): Uncertain significance (1 of 4 stars; one submission).

Allele frequency attached by ClinVar (database versions not stated): ESP Exome Variant Server 0.00008; 1000 Genomes Project 30x 0.00016; 1000 Genomes Project 0.00020.
gnomAD v4.1: 83 of 1,614,224 alleles (0.0051%); highest among the groups gnomAD compares: South Asian, 0.031%; no homozygotes.

Submission:

Labcorp Genetics (formerly Invitae), Labcorp
Classification: Uncertain significance. Last evaluated: 2025-02-10. Review status: criteria provided, single submitter. Criteria: Invitae Variant Classification Sherloc (09022015). Collection method: clinical testing. Allele origin: germline.
Comment: This sequence change replaces alanine, which is neutral and non-polar, with threonine, which is neutral and polar, at codon 1454 of the DLC1 protein (p.Ala1454Thr). This variant is present in population databases (rs367679746, gnomAD 0.03%). This variant has not been reported in the literature in individuals affected with DLC1-related conditions. ClinVar contains an entry for this variant (Variation ID: 2065100). An algorithm developed to predict the effect of missense changes on protein structure and function (PolyPhen-2) suggests that this variant is likely to be disruptive. In summary, the available evidence is currently insufficient to determine the role of this variant in disease. Therefore, it has been classified as a Variant of Uncertain Significance.

NM_182643.3(DLC1):c.4360G>A (p.Ala1454Thr)

Gene: DLC1 (DLC1 Rho GTPase activating protein; minus strand). Cytogenetic location: 8p22.
Variant type: single nucleotide variant.
Coding change: c.4360G>A on transcript NM_182643.3 (MANE Select); coding-DNA position 4360, G replaced by A.
Protein change: p.Ala1454Thr; replaces alanine 1454 with threonine.
Molecular consequence: missense variant.
Genome position (GRCh38, 1-based): chr8:13,086,396, C>T on the plus strand (G>A on the coding strand, the complement: DLC1 is on the minus strand). VCF-style: chr8-13086396-C-T. GRCh37 (hg19) VCF-style: chr8-12943905-C-T.
Other names: c.2827G>A, p.Ala943Thr (NM_001164271.2, NM_001348082.2, NM_001348083.1 and 6 more transcripts); c.3151G>A, p.Ala1051Thr (NM_001316668.2); c.4360G>A, p.Ala1454Thr (NM_001348081.2, NM_001413124.1); c.2932G>A, p.Ala978Thr (NM_001413129.1); c.3142G>A, p.Ala1048Thr (NM_001413130.1); c.2800G>A, p.Ala934Thr (NM_001413131.1, NM_001413137.1); c.3286G>A, p.Ala1096Thr (NM_001413132.1); c.3049G>A, p.Ala1017Thr (NM_001413135.1, NM_006094.5); and 2 more; short protein forms A934T, A978T, A1017T, A1051T, A943T, A944T, A1062T, A1048T.
Identifiers: ClinVar variation 2065100 (VCV002065100.4), dbSNP rs367679746, ClinGen allele CA4637938.